The following is an entry in ClinVar:

ClinVar aggregate classification (germline): Pathogenic (1 of 4 stars; one submission).

Submission:

Labcorp Genetics (formerly Invitae), Labcorp
Classification: Pathogenic. Last evaluated: 2023-08-29. Review status: criteria provided, single submitter. Criteria: Invitae Variant Classification Sherloc (09022015). Collection method: clinical testing. Allele origin: unknown.
Comment: For these reasons, this variant has been classified as Pathogenic. This variant has not been reported in the literature in individuals affected with CDH23-related conditions. This variant is a gross deletion of the genomic region encompassing exon(s) 42-44 of the CDH23 gene. This deletion is out-of-frame, and is expected to create a premature termination codon and result in an absent or disrupted protein product. Loss-of-function variants in CDH23 are known to be pathogenic (PMID: 11138009, 21940737).

Literature cited by the submitters: PubMed 11138009; PubMed 21940737.

NC_000010.10:g.(?_73544024)_(73545515_?)del

Gene: CDH23 (cadherin related 23; plus strand). Cytogenetic location: 10q22.1.
Variant type: Deletion.
Identifiers: ClinVar variation 3245005 (VCV003245005.1).